The following is an entry in ClinVar:

ClinVar aggregate classification (germline): Uncertain significance (1 of 4 stars; one submission).

Conditions:
Alagille syndrome due to a JAG1 point mutation. Also called: Alagille Syndrome 1; JAG1-Related Alagille Syndrome; HEPATIC DUCTULAR HYPOPLASIA, SYNDROMATIC. Identifiers: Orphanet 261619, Orphanet 52, MedGen C1956125, MONDO:0016862, OMIM 118450.

Submission:

Labcorp Genetics (formerly Invitae), Labcorp
Classification: Uncertain significance for Alagille syndrome due to a JAG1 point mutation. Last evaluated: 2022-12-14. Review status: criteria provided, single submitter. Criteria: Invitae Variant Classification Sherloc (09022015). Collection method: clinical testing. Allele origin: germline.
Comment: In summary, the available evidence is currently insufficient to determine the role of this variant in disease. Therefore, it has been classified as a Variant of Uncertain Significance. This sequence change replaces valine, which is neutral and non-polar, with isoleucine, which is neutral and non-polar, at codon 1070 of the JAG1 protein (p.Val1070Ile). This variant is not present in population databases (gnomAD no frequency). This variant has not been reported in the literature in individuals affected with JAG1-related conditions. Advanced modeling of protein sequence and biophysical properties (such as structural, functional, and spatial information, amino acid conservation, physicochemical variation, residue mobility, and thermodynamic stability) performed at Invitae indicates that this missense variant is not expected to disrupt JAG1 protein function.

NM_000214.3(JAG1):c.3208G>A (p.Val1070Ile)

Gene: JAG1 (jagged canonical Notch ligand 1; minus strand). Cytogenetic location: 20p12.2.
Variant type: single nucleotide variant.
Coding change: c.3208G>A on transcript NM_000214.3 (MANE Select); coding-DNA position 3208, G replaced by A.
Protein change: p.Val1070Ile; replaces valine 1070 with isoleucine.
Molecular consequence: missense variant.
Genome position (GRCh38, 1-based): chr20:10,639,947, C>T on the plus strand (G>A on the coding strand, the complement: JAG1 is on the minus strand). VCF-style: chr20-10639947-C-T. GRCh37 (hg19) VCF-style: chr20-10620595-C-T.
Other names: short protein forms V1070I.
Identifiers: ClinVar variation 2792097 (VCV002792097.3), dbSNP rs2514506764, ClinGen allele CA408243771.